The following is an entry in ClinVar:

ClinVar aggregate classification (germline): Likely benign (1 of 4 stars; one submission).

gnomAD v4.1: 9 of 1,436,714 alleles (0.00063%); highest among the groups gnomAD compares: Middle Eastern, 0.023%; no homozygotes.

Submission:

CeGaT Center for Human Genetics Tuebingen
Classification: Likely benign. Last evaluated: 2026-05-01. Review status: criteria provided, single submitter. Criteria: CeGaT Center For Human Genetics Tuebingen Variant Classification Criteria Version 2. Collection method: clinical testing. Allele origin: germline. Affected: yes. Observed: 1 variant allele.
Comment: APC2: BP4, BP7

NM_005883.3(APC2):c.4428C>G (p.Pro1476=)

Gene: APC2 (APC regulator of Wnt signaling pathway 2; plus strand). Cytogenetic location: 19p13.3.
Variant type: single nucleotide variant.
Coding change: c.4428C>G on transcript NM_005883.3 (MANE Select); coding-DNA position 4428, C replaced by G.
Protein change: p.Pro1476=; no amino-acid change (proline 1476 retained).
Molecular consequence: synonymous variant.
Genome position (GRCh38, 1-based): chr19:1,467,729, C>G. VCF-style: chr19-1467729-C-G. GRCh37 (hg19) VCF-style: chr19-1467728-C-G.
Other names: c.4425C>G, p.Pro1475= (NM_001351273.1).
Identifiers: ClinVar variation 4873584 (VCV004873584.2).